The following is an entry in ClinVar:

NM_000384.3(APOB):c.7151T>C (p.Val2384Ala)

Gene: APOB (apolipoprotein B; minus strand). Cytogenetic location: 2p24.1.
Variant type: single nucleotide variant.
Coding change: c.7151T>C on transcript NM_000384.3 (MANE Select); coding-DNA position 7151, T replaced by C.
Protein change: p.Val2384Ala; replaces valine 2384 with alanine.
Molecular consequence: missense variant.
Genome position (GRCh38, 1-based): chr2:21,009,717, A>G on the plus strand (T>C on the coding strand, the complement: APOB is on the minus strand). VCF-style: chr2-21009717-A-G. GRCh37 (hg19) VCF-style: chr2-21232589-A-G.
Other names: short protein forms V2384A.
Identifiers: ClinVar variation 4532941 (VCV004532941.1).

ClinVar aggregate classification (germline): Uncertain significance (1 of 4 stars; one submission).

gnomAD v4.1: 3 of 1,613,662 alleles (0.00019%); highest among the groups gnomAD compares: Non-Finnish European, 0.00025%; no homozygotes.

Submission:

Quest Diagnostics Nichols Institute San Juan Capistrano
Classification: Uncertain significance. Last evaluated: 2025-09-26. Review status: criteria provided, single submitter. Criteria: Quest Diagnostics criteria. Collection method: clinical testing. Allele origin: unknown.
Comment: The APOB c.7151T>C (p.Val2384Ala) variant has not been reported in individuals with APOB-related conditions in the published literature. The frequency of this variant in the general population (Genome Aggregation Database) is uninformative in the assessment of its pathogenicity. Analysis of this variant using bioinformatics tools for the prediction of the effect of amino acid changes on protein structure and function yielded predictions that this variant is benign. Based on the available information, we are unable to determine the clinical significance of this variant.